The following is an entry in ClinVar:

ClinVar aggregate classification (germline): Uncertain significance (1 of 4 stars; one submission).

Conditions:
Colorectal cancer, hereditary nonpolyposis, type 7. Identifiers: Orphanet 144, MedGen C1858380, MONDO:0013725, OMIM 614385.

Submission:

Labcorp Genetics (formerly Invitae), Labcorp
Classification: Uncertain significance for Colorectal cancer, hereditary nonpolyposis, type 7. Last evaluated: 2024-11-14. Review status: criteria provided, single submitter. Criteria: Invitae Variant Classification Sherloc (09022015). Collection method: clinical testing. Allele origin: germline.
Comment: This sequence change creates a premature translational stop signal (p.Ile1172Phefs*14) in the MLH3 gene. It is expected to result in an absent or disrupted protein product. However, the current clinical and genetic evidence is not sufficient to establish whether loss-of-function variants in MLH3 cause disease. This variant is present in population databases (no rsID available, gnomAD 0.006%). This variant has not been reported in the literature in individuals affected with MLH3-related conditions. Algorithms developed to predict the effect of sequence changes on RNA splicing suggest that this variant may disrupt the consensus splice site. In summary, the available evidence is currently insufficient to determine the role of this variant in disease. Therefore, it has been classified as a Variant of Uncertain Significance.

NM_001040108.2(MLH3):c.3514del (p.Ile1172fs)

Gene: MLH3 (mutL homolog 3; minus strand). Cytogenetic location: 14q24.3.
Variant type: Deletion.
Coding change: c.3514del on transcript NM_001040108.2 (MANE Select); coding-DNA position 3514, one base deleted (A; older notation c.3514delA).
Protein change: p.Ile1172fs; shifts the reading frame from isoleucine 1172.
Molecular consequence: frameshift variant.
Genome position (GRCh38, 1-based): chr14:75,039,967, T deleted on the plus strand (A on the coding strand, the reverse complement: MLH3 is on the minus strand); the first of 4 consecutive T bases (chr14:75,039,967-75,039,970); deleting any one gives the same sequence. VCF-style (leftmost placement, unchanged base first): chr14-75039966-AT-A. GRCh37 (hg19) VCF-style: chr14-75506669-AT-A.
Other names: c.3514del, p.Ile1172fs (NM_014381.3); short protein forms I1172fs.
Identifiers: ClinVar variation 3721229 (VCV003721229.2).